The following is an entry in ClinVar:

ClinVar aggregate classification (germline): Uncertain significance. Review status: criteria provided, multiple submitters, no conflicts (2 of 4 stars). 2 submissions from 2 submitters: Uncertain significance (2). Last evaluated 2022-05-05.

Allele frequency attached by ClinVar (database versions not stated): 1000 Genomes Project 30x 0.00031; ExAC 0.00002; gnomAD exomes 0.00002; gnomAD 0.00004; TOPMed 0.00004; ESP Exome Variant Server 0.00008; 1000 Genomes Project 0.00020.
gnomAD v4.1: 38 of 1,614,152 alleles (0.0024%); highest among the groups gnomAD compares: African/African-American, 0.011%; no homozygotes.

Submissions (2):

Labcorp Genetics (formerly Invitae), Labcorp
Classification: Uncertain significance. Last evaluated: 2022-05-05. Review status: criteria provided, single submitter. Criteria: Invitae Variant Classification Sherloc (09022015). Collection method: clinical testing. Allele origin: germline.
Comment: This sequence change replaces serine, which is neutral and polar, with leucine, which is neutral and non-polar, at codon 84 of the TRAF3IP1 protein (p.Ser84Leu). This variant is present in population databases (rs147512316, gnomAD 0.02%). This variant has not been reported in the literature in individuals affected with TRAF3IP1-related conditions. ClinVar contains an entry for this variant (Variation ID: 1053459). Algorithms developed to predict the effect of missense changes on protein structure and function are either unavailable or do not agree on the potential impact of this missense change (SIFT: "Deleterious"; PolyPhen-2: "Possibly Damaging"; Align-GVGD: "Class C15"). In summary, the available evidence is currently insufficient to determine the role of this variant in disease. Therefore, it has been classified as a Variant of Uncertain Significance.

Blueprint Genetics
Classification: Uncertain significance. Last evaluated: 2019-03-13. Review status: criteria provided, single submitter. Criteria: ACMG Guidelines, 2015. Collection method: clinical testing. Allele origin: germline.

NM_015650.4(IFT54):c.251C>T (p.Ser84Leu)

Gene: IFT54 (intraflagellar transport 54; plus strand). Cytogenetic location: 2q37.3.
Variant type: single nucleotide variant.
Coding change: c.251C>T on transcript NM_015650.4 (MANE Select); coding-DNA position 251, C replaced by T.
Protein change: p.Ser84Leu; replaces serine 84 with leucine.
Molecular consequence: missense variant.
Genome position (GRCh38, 1-based): chr2:238,325,867, C>T. VCF-style: chr2-238325867-C-T. GRCh37 (hg19) VCF-style: chr2-239234508-C-T.
Other names: c.251C>T, p.Ser84Leu (NM_001139490.1); short protein forms S84L.
Identifiers: ClinVar variation 1053459 (VCV001053459.7), dbSNP rs147512316, ClinGen allele CA2197994.
Genomic context (GRCh38, chr2:238,325,867, plus strand): 5'-AGGATAAAGATGCAAAAATTAGCTTCCTACAAAAGGCCATAGACGTGGTTGTAATGGTGT[C>T]GGGAGAGCCACTGTTGGCCAAACCAGCCCGAATCGTGGCGGGGCATGAGCCTGAAAGAAC-3'
Protein context (NP_056465.2, residues 74-94): QKAIDVVVMV[Ser84Leu]GEPLLAKPAR